The following is an entry in ClinVar:

ClinVar aggregate classification (germline): Likely pathogenic (1 of 4 stars; one submission).

Conditions:
Alagille syndrome due to a JAG1 point mutation. Also called: HEPATIC DUCTULAR HYPOPLASIA, SYNDROMATIC; JAG1-Related Alagille Syndrome; Alagille Syndrome 1. Identifiers: Orphanet 261619, Orphanet 52, MedGen C1956125, MONDO:0016862, OMIM 118450.

Submission:

Labcorp Genetics (formerly Invitae), Labcorp
Classification: Likely pathogenic for Alagille syndrome due to a JAG1 point mutation. Last evaluated: 2023-06-13. Review status: criteria provided, single submitter. Criteria: Invitae Variant Classification Sherloc (09022015). Collection method: clinical testing. Allele origin: germline.
Comment: In summary, the currently available evidence indicates that the variant is pathogenic, but additional data are needed to prove that conclusively. Therefore, this variant has been classified as Likely Pathogenic. Algorithms developed to predict the effect of sequence changes on RNA splicing suggest that this variant may disrupt the consensus splice site. ClinVar contains an entry for this variant (Variation ID: 1512097). This variant has not been reported in the literature in individuals affected with JAG1-related conditions. This variant is not present in population databases (gnomAD no frequency). This sequence change affects an acceptor splice site in intron 5 of the JAG1 gene. It is expected to disrupt RNA splicing. Variants that disrupt the donor or acceptor splice site typically lead to a loss of protein function (PMID: 16199547), and loss-of-function variants in JAG1 are known to be pathogenic (PMID: 11180599).

Literature cited by the submitters: PubMed 16199547; PubMed 11180599.

NM_000214.3(JAG1):c.756-1G>C

Gene: JAG1 (jagged canonical Notch ligand 1; minus strand). Cytogenetic location: 20p12.2.
Variant type: single nucleotide variant.
Coding change: c.756-1G>C on transcript NM_000214.3 (MANE Select); the canonical splice acceptor site of the intron before coding-DNA position 756, G replaced by C.
Molecular consequence: splice acceptor variant.
Genome position (GRCh38, 1-based): chr20:10,652,599, C>G on the plus strand (G>C on the coding strand, the complement: JAG1 is on the minus strand). VCF-style: chr20-10652599-C-G. GRCh37 (hg19) VCF-style: chr20-10633247-C-G.
Identifiers: ClinVar variation 1512097 (VCV001512097.6), dbSNP rs1568798388, ClinGen allele CA408239496.